The following is an entry in ClinVar:

NM_007194.4(CHEK2):c.1299_1300delinsGT (p.Val434Leu)

Gene: CHEK2 (checkpoint kinase 2; minus strand). Cytogenetic location: 22q12.1.
Variant type: Indel.
Coding change: c.1299_1300delinsGT on transcript NM_007194.4 (MANE Select); coding-DNA positions 1299 to 1300, AG replaced by GT.
Protein change: p.Val434Leu; replaces valine 434 with leucine.
Molecular consequence: missense variant.
Genome position (GRCh38, 1-based): chr22:28,695,202-28,695,203, CT replaced by AC on the plus strand (AG replaced by GT on the coding strand, the reverse complement: CHEK2 is on the minus strand). VCF-style: chr22-28695202-CT-AC. GRCh37 (hg19) VCF-style: chr22-29091190-CT-AC.
Other names: c.1428_1429delAGinsGT, p.Val477Leu (NM_001005735.3); c.636_637delAGinsGT, p.Val213Leu (NM_001257387.3); c.1098_1099delAGinsGT, p.Val367Leu (NM_001349956.3); c.1212_1213delAGinsGT, p.Val405Leu (NM_145862.3); short protein forms V213L, V477L, V367L, V405L, V434L.
Identifiers: ClinVar variation 1468723 (VCV001468723.7), dbSNP rs2145794938, ClinGen allele CA2573157936.

ClinVar aggregate classification (germline): Uncertain significance (1 of 4 stars; one submission).

Conditions:
Familial cancer of breast. Also called: hereditary breast carcinoma; BREAST CANCER, FAMILIAL; Hereditary breast cancer. Identifiers: Orphanet 227535, MedGen C0346153, MONDO:0016419, OMIM 114480. Disease mechanism: loss of function.

Submission:

Labcorp Genetics (formerly Invitae), Labcorp
Classification: Uncertain significance for Familial cancer of breast. Last evaluated: 2021-10-24. Review status: criteria provided, single submitter. Criteria: Invitae Variant Classification Sherloc (09022015). Collection method: clinical testing. Allele origin: germline.
Comment: Experimental studies and prediction algorithms are not available or were not evaluated, and the functional significance of this variant is currently unknown. In summary, the available evidence is currently insufficient to determine the role of this variant in disease. Therefore, it has been classified as a Variant of Uncertain Significance. This variant has not been reported in the literature in individuals affected with CHEK2-related conditions. Information on the frequency of this variant in the gnomAD database is not available, as this variant may be reported differently in the database. This sequence change replaces valine, which is neutral and non-polar, with leucine, which is neutral and non-polar, at codon 434 of the CHEK2 protein (p.Val434Leu).